The following is an entry in ClinVar:

NM_001382347.1(MYO5A):c.1368T>C (p.Tyr456=)

Gene: MYO5A (myosin VA; minus strand). Cytogenetic location: 15q21.2.
Variant type: single nucleotide variant.
Coding change: c.1368T>C on transcript NM_001382347.1 (MANE Select); coding-DNA position 1368, T replaced by C.
Protein change: p.Tyr456=; no amino-acid change (tyrosine 456 retained).
Molecular consequence: synonymous variant.
Genome position (GRCh38, 1-based): chr15:52,396,349, A>G on the plus strand (T>C on the coding strand, the complement: MYO5A is on the minus strand). VCF-style: chr15-52396349-A-G. GRCh37 (hg19) VCF-style: chr15-52688546-A-G.
Other names: c.1368T>C, p.Tyr456= (NM_000259.3, NM_001142495.2); c.1440T>C, p.Tyr480= (NM_001382348.1, NM_001382349.1).
Identifiers: ClinVar variation 782592 (VCV000782592.35), dbSNP rs76489145, ClinGen allele CA7568996.

ClinVar aggregate classification (germline): Benign/Likely benign. Review status: criteria provided, multiple submitters, no conflicts (2 of 4 stars). 4 submissions from 4 submitters: Benign (3); Likely benign (1). Last evaluated 2026-02-02.

Allele frequency attached by ClinVar (database versions not stated): gnomAD exomes 0.00044 and 0.00114; ExAC 0.00192; gnomAD 0.00423 and 0.00444; ESP Exome Variant Server 0.00481; 1000 Genomes Project 30x 0.00484; TOPMed 0.00518; 1000 Genomes Project 0.00539.
gnomAD v4.1: 1,301 of 1,568,252 alleles (0.083%); highest among the groups gnomAD compares: African/African-American, 1.5%; 11 homozygotes.

Submissions (4):

Labcorp Genetics (formerly Invitae), Labcorp
Classification: Benign. Last evaluated: 2026-02-02. Review status: criteria provided, single submitter. Criteria: Invitae Variant Classification Sherloc (09022015). Collection method: clinical testing. Allele origin: germline.

Blueprint Genetics
Classification: Likely benign. Last evaluated: 2024-09-19. Review status: criteria provided, single submitter. Criteria: ACMG Guidelines, 2015. Collection method: clinical testing. Allele origin: germline.

CeGaT Center for Human Genetics Tuebingen
Classification: Benign. Last evaluated: 2024-06-01. Review status: criteria provided, single submitter. Criteria: CeGaT Center For Human Genetics Tuebingen Variant Classification Criteria Version 2. Collection method: clinical testing. Allele origin: germline. Affected: yes. Observed: 3 variant alleles.
Comment: MYO5A: BP4, BS1, BS2

Breakthrough Genomics
Classification: Benign. Review status: criteria provided, single submitter. Criteria: ACMG Guidelines, 2015. Collection method: not provided. Allele origin: germline. Inheritance: Autosomal recessive inheritance. Affected: yes.